The following is an entry in ClinVar:

NM_021096.4(CACNA1I):c.845A>G (p.Glu282Gly)

Gene: CACNA1I (calcium voltage-gated channel subunit alpha1 I; plus strand). Cytogenetic location: 22q13.1.
Variant type: single nucleotide variant.
Coding change: c.845A>G on transcript NM_021096.4 (MANE Select); coding-DNA position 845, A replaced by G.
Protein change: p.Glu282Gly; replaces glutamic acid 282 with glycine.
Molecular consequence: missense variant.
Genome position (GRCh38, 1-based): chr22:39,640,971, A>G. VCF-style: chr22-39640971-A-G. GRCh37 (hg19) VCF-style: chr22-40036976-A-G.
Other names: c.845A>G, p.Glu282Gly (NM_001003406.2); short protein forms E282G.
Identifiers: ClinVar variation 3378037 (VCV003378037.1).
Genomic context (GRCh38, chr22:39,640,971, plus strand): 5'-ATGATGAGATGCCCTTCATCTGCTCCCTGTCGGGCGACAATGGGATAATGGGCTGCCATG[A>G]GATCCCCCCGCTCAAGGAGCAGGGCCGTGAGTGCTGCCTGTCCAAGGACGACGTCTACGA-3'
Protein context (NP_066919.2, residues 272-292): SGDNGIMGCH[Glu282Gly]IPPLKEQGRE

ClinVar aggregate classification (germline): Uncertain significance (1 of 4 stars; one submission).

gnomAD v4.1: 2 of 1,614,014 alleles (0.00012%); highest among the groups gnomAD compares: Non-Finnish European, 0.00017%; no homozygotes.

Submission:

GeneDx
Classification: Uncertain significance. Last evaluated: 2024-05-17. Review status: criteria provided, single submitter. Criteria: GeneDx Variant Classification Process June 2021. Collection method: clinical testing. Allele origin: germline. Affected: yes.
Comment: Not observed at significant frequency in large population cohorts (gnomAD); In silico analysis supports that this missense variant has a deleterious effect on protein structure/function; Has not been previously published as pathogenic or benign to our knowledge